The following is an entry in ClinVar:

ClinVar aggregate classification (germline): Uncertain significance (1 of 4 stars; one submission).

Allele frequency attached by ClinVar (database versions not stated): gnomAD exomes below 0.00001.
gnomAD v4.1: 1 of 1,613,552 alleles (0.000062%); highest among the groups gnomAD compares: Non-Finnish European, 0.000085%; no homozygotes.

Submission:

Labcorp Genetics (formerly Invitae), Labcorp
Classification: Uncertain significance. Last evaluated: 2023-05-22. Review status: criteria provided, single submitter. Criteria: Invitae Variant Classification Sherloc (09022015). Collection method: clinical testing. Allele origin: germline.
Comment: In summary, the available evidence is currently insufficient to determine the role of this variant in disease. Therefore, it has been classified as a Variant of Uncertain Significance. Advanced modeling of protein sequence and biophysical properties (such as structural, functional, and spatial information, amino acid conservation, physicochemical variation, residue mobility, and thermodynamic stability) has been performed at Invitae for this missense variant, however the output from this modeling did not meet the statistical confidence thresholds required to predict the impact of this variant on ASXL2 protein function. ClinVar contains an entry for this variant (Variation ID: 2168030). This variant has not been reported in the literature in individuals affected with ASXL2-related conditions. This variant is not present in population databases (gnomAD no frequency). This sequence change replaces glycine, which is neutral and non-polar, with serine, which is neutral and polar, at codon 66 of the ASXL2 protein (p.Gly66Ser).

NM_018263.6(ASXL2):c.196G>A (p.Gly66Ser)

Gene: ASXL2 (ASXL transcriptional regulator 2; minus strand). Cytogenetic location: 2p23.3.
Variant type: single nucleotide variant.
Coding change: c.196G>A on transcript NM_018263.6 (MANE Select); coding-DNA position 196, G replaced by A.
Protein change: p.Gly66Ser; replaces glycine 66 with serine.
Molecular consequence: missense variant.
Genome position (GRCh38, 1-based): chr2:25,806,285, C>T on the plus strand (G>A on the coding strand, the complement: ASXL2 is on the minus strand). VCF-style: chr2-25806285-C-T. GRCh37 (hg19) VCF-style: chr2-26029154-C-T.
Other names: c.22G>A, p.Gly8Ser (NM_001369346.1); short protein forms G8S, G66S.
Identifiers: ClinVar variation 2168030 (VCV002168030.4), dbSNP rs2465401206, ClinGen allele CA346084725.